The following is an entry in ClinVar:

NM_000901.5(NR3C2):c.335T>C (p.Val112Ala)

Gene: NR3C2 (nuclear receptor subfamily 3 group C member 2; minus strand). Cytogenetic location: 4q31.23.
Variant type: single nucleotide variant.
Coding change: c.335T>C on transcript NM_000901.5 (MANE Select); coding-DNA position 335, T replaced by C.
Protein change: p.Val112Ala; replaces valine 112 with alanine.
Molecular consequence: missense variant. On other transcripts: non-coding transcript variant (1).
Genome position (GRCh38, 1-based): chr4:148,436,526, A>G on the plus strand (T>C on the coding strand, the complement: NR3C2 is on the minus strand). VCF-style: chr4-148436526-A-G. GRCh37 (hg19) VCF-style: chr4-149357678-A-G.
Other names: c.335T>C, p.Val112Ala (NM_001166104.2, NM_001354819.1); short protein forms V112A.
Identifiers: ClinVar variation 2816827 (VCV002816827.3), dbSNP rs751526839, ClinGen allele CA3100476.

ClinVar aggregate classification (germline): Uncertain significance (1 of 4 stars; one submission).

Allele frequency attached by ClinVar (database versions not stated): gnomAD exomes below 0.00001; ExAC 0.00001; gnomAD 0.00001; TOPMed 0.00002.
gnomAD v4.1: 4 of 1,614,046 alleles (0.00025%); highest among the groups gnomAD compares: African/African-American, 0.0053%; no homozygotes.

Submission:

Labcorp Genetics (formerly Invitae), Labcorp
Classification: Uncertain significance. Last evaluated: 2022-11-26. Review status: criteria provided, single submitter. Criteria: Invitae Variant Classification Sherloc (09022015). Collection method: clinical testing. Allele origin: germline.
Comment: This variant is present in population databases (rs751526839, gnomAD 0.007%). This variant has not been reported in the literature in individuals affected with NR3C2-related conditions. Advanced modeling of protein sequence and biophysical properties (such as structural, functional, and spatial information, amino acid conservation, physicochemical variation, residue mobility, and thermodynamic stability) performed at Invitae indicates that this missense variant is not expected to disrupt NR3C2 protein function. In summary, the available evidence is currently insufficient to determine the role of this variant in disease. Therefore, it has been classified as a Variant of Uncertain Significance. This sequence change replaces valine, which is neutral and non-polar, with alanine, which is neutral and non-polar, at codon 112 of the NR3C2 protein (p.Val112Ala).